The following is an entry in ClinVar:

ClinVar aggregate classification (germline): Benign/Likely benign. Review status: criteria provided, multiple submitters, no conflicts (2 of 4 stars). 3 submissions from 3 submitters: Benign (1); Likely benign (2). Last evaluated 2025-12-16.

Conditions:
COL4A2-related disorder. Also called: COL4A2-related disorders; COL4A2-related condition.

Allele frequency attached by ClinVar (database versions not stated): ESP Exome Variant Server 0.00008; gnomAD exomes 0.00009; gnomAD 0.00010; ExAC 0.00011; TOPMed 0.00015; 1000 Genomes Project 0.00020; 1000 Genomes Project 30x 0.00031.

Submissions (3):

Labcorp Genetics (formerly Invitae), Labcorp
Classification: Benign. Last evaluated: 2025-12-16. Review status: criteria provided, single submitter. Criteria: Invitae Variant Classification Sherloc (09022015). Collection method: clinical testing. Allele origin: germline.

PreventionGenetics, part of Exact Sciences
Classification: Likely benign for COL4A2-related condition. Last evaluated: 2024-12-20. Review status: criteria provided, single submitter. Criteria: ACMG Guidelines, 2015. Collection method: clinical testing. Allele origin: germline.
Comment: This variant is classified as likely benign based on ACMG/AMP sequence variant interpretation guidelines (Richards et al. 2015 PMID: 25741868, with internal and published modifications).

Blueprint Genetics
Classification: Likely benign. Last evaluated: 2024-07-18. Review status: criteria provided, single submitter. Criteria: ACMG Guidelines, 2015. Collection method: clinical testing. Allele origin: germline.

NM_001846.4(COL4A2):c.4064T>C (p.Met1355Thr)

Genes: COL4A2-AS1 (COL4A2 antisense RNA 1; minus strand), COL4A2 (collagen type IV alpha 2 chain; plus strand). Cytogenetic location: 13q34.
Variant type: single nucleotide variant.
Coding change: c.4064T>C on transcript NM_001846.4 (MANE Select); coding-DNA position 4064, T replaced by C.
Protein change: p.Met1355Thr; replaces methionine 1355 with threonine.
Molecular consequence: missense variant.
Genome position (GRCh38, 1-based): chr13:110,503,407, T>C. VCF-style: chr13-110503407-T-C. GRCh37 (hg19) VCF-style: chr13-111155754-T-C.
Other names: c.4064T>C (NM_001846.3); short protein forms M1355T.
Identifiers: ClinVar variation 1983806 (VCV001983806.6), dbSNP rs199956455, ClinGen allele CA7050400.